The following is an entry in ClinVar:

ClinVar aggregate classification (germline): Uncertain significance. Review status: criteria provided, multiple submitters, no conflicts (2 of 4 stars). 2 submissions from 2 submitters: Uncertain significance (2). Last evaluated 2026-04-01.

Allele frequency attached by ClinVar (database versions not stated): TOPMed 0.00001; gnomAD 0.00002; gnomAD exomes 0.00002; ExAC 0.00005; 1000 Genomes Project 0.00020; 1000 Genomes Project 30x 0.00047.
gnomAD v4.1: 27 of 1,613,924 alleles (0.0017%); highest among the groups gnomAD compares: East Asian, 0.0045%; no homozygotes.

Submissions (2):

CeGaT Center for Human Genetics Tuebingen
Classification: Uncertain significance. Last evaluated: 2026-04-01. Review status: criteria provided, single submitter. Criteria: CeGaT Center For Human Genetics Tuebingen Variant Classification Criteria Version 2. Collection method: clinical testing. Allele origin: germline. Affected: yes. Observed: 1 variant allele.
Comment: DNAH1: PM2

Ambry Genetics
Classification: Uncertain significance. Last evaluated: 2023-02-23. Review status: criteria provided, single submitter. Criteria: Ambry Variant Classification Scheme 2023. Collection method: clinical testing. Allele origin: germline.

NM_015512.5(DNAH1):c.3304C>T (p.Arg1102Cys)

Gene: DNAH1 (dynein axonemal heavy chain 1; plus strand). Cytogenetic location: 3p21.1.
Variant type: single nucleotide variant.
Coding change: c.3304C>T on transcript NM_015512.5 (MANE Select); coding-DNA position 3304, C replaced by T.
Protein change: p.Arg1102Cys; replaces arginine 1102 with cysteine.
Molecular consequence: missense variant.
Genome position (GRCh38, 1-based): chr3:52,353,457, C>T. VCF-style: chr3-52353457-C-T. GRCh37 (hg19) VCF-style: chr3-52387473-C-T.
Other names: short protein forms R1102C.
Identifiers: ClinVar variation 2487949 (VCV002487949.4), dbSNP rs563033665, ClinGen allele CA2433545.